The following is an entry in ClinVar:

ClinVar aggregate classification (germline): Uncertain significance (1 of 4 stars; one submission).

Allele frequency attached by ClinVar (database versions not stated): ExAC 0.00001; gnomAD 0.00002; TOPMed 0.00001; gnomAD exomes 0.00002.
gnomAD v4.1: 26 of 1,614,054 alleles (0.0016%); highest among the groups gnomAD compares: East Asian, 0.04%; no homozygotes.

Submission:

Labcorp Genetics (formerly Invitae), Labcorp
Classification: Uncertain significance. Last evaluated: 2026-01-26. Review status: criteria provided, single submitter. Criteria: Invitae Variant Classification Sherloc (09022015). Collection method: clinical testing. Allele origin: germline.
Comment: This sequence change replaces arginine, which is basic and polar, with glutamine, which is neutral and polar, at codon 588 of the TFRC protein (p.Arg588Gln). This variant is present in population databases (rs754713292, gnomAD 0.007%). This variant has not been reported in the literature in individuals affected with TFRC-related conditions. ClinVar contains an entry for this variant (Variation ID: 2728652). An algorithm developed to predict the effect of missense changes on protein structure and function (PolyPhen-2) suggests that this variant is likely to be tolerated. In summary, the available evidence is currently insufficient to determine the role of this variant in disease. Therefore, it has been classified as a Variant of Uncertain Significance.

NM_001128148.3(TFRC):c.1763G>A (p.Arg588Gln)

Gene: TFRC (transferrin receptor; minus strand). Cytogenetic location: 3q29.
Variant type: single nucleotide variant.
Coding change: c.1763G>A on transcript NM_001128148.3 (MANE Select); coding-DNA position 1763, G replaced by A.
Protein change: p.Arg588Gln; replaces arginine 588 with glutamine.
Molecular consequence: missense variant.
Genome position (GRCh38, 1-based): chr3:196,055,216, C>T on the plus strand (G>A on the coding strand, the complement: TFRC is on the minus strand). VCF-style: chr3-196055216-C-T. GRCh37 (hg19) VCF-style: chr3-195782087-C-T.
Other names: c.1520G>A, p.Arg507Gln (NM_001313965.2); c.917G>A, p.Arg306Gln (NM_001313966.2); c.1763G>A, p.Arg588Gln (NM_003234.4); short protein forms R306Q, R588Q, R507Q.
Identifiers: ClinVar variation 2728652 (VCV002728652.3), dbSNP rs754713292, ClinGen allele CA2777788.